The following is an entry in ClinVar:

ClinVar aggregate classification (germline): Uncertain significance. Review status: criteria provided, multiple submitters, no conflicts (2 of 4 stars). 4 submissions from 4 submitters: Uncertain significance (4). Last evaluated 2024-02-01.

Conditions:
Hereditary nonpolyposis colorectal neoplasms. Identifiers: MedGen C0009405, MeSH D003123.
Hereditary cancer-predisposing syndrome. Also called: Hereditary neoplastic syndrome; Neoplastic Syndromes, Hereditary; Hereditary Cancer Syndrome; Tumor predisposition. Identifiers: Orphanet 140162, MedGen C0027672, MeSH D009386, MONDO:0015356.

Submissions (4):

Ambry Genetics
Classification: Uncertain significance for Hereditary cancer-predisposing syndrome. Last evaluated: 2024-02-01. Review status: criteria provided, single submitter. Criteria: Ambry Variant Classification Scheme 2023. Collection method: clinical testing. Allele origin: germline.
Comment: The p.V43I variant (also known as c.127G>A), located in coding exon 2 of the PMS2 gene, results from a G to A substitution at nucleotide position 127. The valine at codon 43 is replaced by isoleucine, an amino acid with highly similar properties. This amino acid position is not well conserved in available vertebrate species. In addition, the in silico prediction for this alteration is inconclusive. Since supporting evidence is limited at this time, the clinical significance of this alteration remains unclear.

Labcorp Genetics (formerly Invitae), Labcorp
Classification: Uncertain significance for Hereditary nonpolyposis colorectal neoplasms. Last evaluated: 2023-05-24. Review status: criteria provided, single submitter. Criteria: Invitae Variant Classification Sherloc (09022015). Collection method: clinical testing. Allele origin: germline.
Comment: This sequence change replaces valine, which is neutral and non-polar, with isoleucine, which is neutral and non-polar, at codon 43 of the PMS2 protein (p.Val43Ile). This variant is not present in population databases (gnomAD no frequency). This variant has not been reported in the literature in individuals affected with PMS2-related conditions. ClinVar contains an entry for this variant (Variation ID: 127759). Advanced modeling of protein sequence and biophysical properties (such as structural, functional, and spatial information, amino acid conservation, physicochemical variation, residue mobility, and thermodynamic stability) performed at Invitae indicates that this missense variant is not expected to disrupt PMS2 protein function. In summary, the available evidence is currently insufficient to determine the role of this variant in disease. Therefore, it has been classified as a Variant of Uncertain Significance.

Color Diagnostics, LLC DBA Color Health
Classification: Uncertain significance for Hereditary cancer-predisposing syndrome. Last evaluated: 2020-02-04. Review status: criteria provided, single submitter. Criteria: ACMG Guidelines, 2015. Collection method: clinical testing. Allele origin: germline.
Comment: This missense variant replaces valine with isoleucine at codon 43 of the PMS2 protein. Computational prediction suggests that this variant may not impact protein structure and function (internally defined REVEL score threshold <= 0.5, PMID: 27666373). Splice site prediction tools suggest that this variant may not impact RNA splicing. To our knowledge, functional studies have not been performed for this variant. This variant has not been reported in individuals affected with hereditary cancer in the literature. This variant has not been identified in the general population by the Genome Aggregation Database (gnomAD). The available evidence is insufficient to determine the role of this variant in disease conclusively. Therefore, this variant is classified as a Variant of Uncertain Significance.

GeneDx
Classification: Uncertain significance. Last evaluated: 2017-03-21. Review status: criteria provided, single submitter. Criteria: GeneDx Variant Classification (06012015). Collection method: clinical testing. Allele origin: germline. Affected: yes.
Comment: This variant is denoted PMS2 c.127G>A at the cDNA level, p.Val43Ile (V43I) at the protein level, and results in the change of a Valine to an Isoleucine (GTA>ATA) in exon 2. This variant has not, to our knowledge, been published in the literature as either a mutation or a benign polymorphism. PMS2 Val43Ile was not observed in approximately 6,500 individuals of European and African American ancestry in the NHLBI Exome Variant Server, indicating it is not a common benign variant in these populations. This variant is a conservative substitution of one neutral non-polar amino acid for another, altering a position that is moderately conserved throughout evolution and is not located in a known functional domain. In silico analyses are inconsistent with regard to the effect this variant may have on protein structure and function. Based on the currently available information, we consider PMS2 Val43Ile to be a variant of unknown significance. The variant is found in HEREDICANCER panel(s).

NM_000535.7(PMS2):c.127G>A (p.Val43Ile)

Gene: PMS2 (PMS1 homolog 2, mismatch repair system component; minus strand). Cytogenetic location: 7p22.1.
Variant type: single nucleotide variant.
Coding change: c.127G>A on transcript NM_000535.7 (MANE Select); coding-DNA position 127, G replaced by A.
Protein change: p.Val43Ile; replaces valine 43 with isoleucine.
Molecular consequence: missense variant. On other transcripts: 5 prime UTR variant (8), non-coding transcript variant (1), intron variant (3).
Genome position (GRCh38, 1-based): chr7:6,005,928, C>T on the plus strand (G>A on the coding strand, the complement: PMS2 is on the minus strand). VCF-style: chr7-6005928-C-T. GRCh37 (hg19) VCF-style: chr7-6045559-C-T.
Other names: p.V43I:GTA>ATA; c.-279G>A (NM_001322003.2, NM_001322005.2, NM_001322009.2 and 1 more transcripts); c.127G>A, p.Val43Ile (NM_001322006.2, NM_001322014.2); c.-89G>A (NM_001322007.2); c.-758G>A (NM_001322011.2, NM_001322012.2); c.-358G>A (NM_001322015.2); c.-52-1870G>A (NM_001322008.2); c.-242-1870G>A (NM_001322010.2, NM_001322004.2); short protein forms V43I.
Identifiers: ClinVar variation 127759 (VCV000127759.18), dbSNP rs587780042, ClinGen allele CA009472.
Genomic context (GRCh38, chr7:6,005,928, plus strand): 5'-GGCTTAAAACTCTCCCAAACTTACCAATATTAGTGGCACCAGCATCCAGACTGTTTTCTA[C>T]TAACTCCTTTACCGCAGTGCTTAGACTCAGTACCACCTGCCCAGAGCAAATCTGATGGAC-3'
Protein context (NP_000526.2, residues 33-53): LSLSTAVKEL[Val43Ile]ENSLDAGATN